The following is an entry in ClinVar:

NM_003322.6(TULP1):c.1324-7A>G

Gene: TULP1 (TUB like protein 1; minus strand). Cytogenetic location: 6p21.31.
Variant type: single nucleotide variant.
Coding change: c.1324-7A>G on transcript NM_003322.6 (MANE Select); 7 bases into the intron before coding-DNA position 1324, A replaced by G.
Molecular consequence: intron variant.
Genome position (GRCh38, 1-based): chr6:35,500,159, T>C on the plus strand (A>G on the coding strand, the complement: TULP1 is on the minus strand). VCF-style: chr6-35500159-T-C. GRCh37 (hg19) VCF-style: chr6-35467936-T-C.
Other names: c.1165-7A>G (NM_001289395.2).
Identifiers: ClinVar variation 3053722 (VCV003053722.2), dbSNP rs2533781967, ClinGen allele CA2578594534.
Genomic context (GRCh38, chr6:35,500,159, plus strand): 5'-TATGAGGCTCTCCAGCGTCTTGTTCTGCCAGCGCACCAGCAGGCCGTCACTAGCCTGGGG[T>C]GCCCCAGGGGAGTAGACAGGGAGAGGACAGTTAGAGATGGCTGAGATGGCTCAGGACTGA-3'

ClinVar aggregate classification (germline): Likely benign (0 of 4 stars; one submission).

Conditions:
TULP1-related disorder. Also called: TULP1-related condition; TULP1-related disorders.

Submission:

PreventionGenetics, part of Exact Sciences
Classification: Likely benign for TULP1-related condition. Last evaluated: 2019-09-17. Review status: no assertion criteria provided. Collection method: clinical testing. Allele origin: germline.
Comment: This variant is classified as likely benign based on ACMG/AMP sequence variant interpretation guidelines (Richards et al. 2015 PMID: 25741868, with internal and published modifications).